The following is an entry in ClinVar:

NM_001999.4(FBN2):c.3346A>G (p.Ile1116Val)

Gene: FBN2 (fibrillin 2; minus strand). Cytogenetic location: 5q23.3.
Variant type: single nucleotide variant.
Coding change: c.3346A>G on transcript NM_001999.4 (MANE Select); coding-DNA position 3346, A replaced by G.
Protein change: p.Ile1116Val; replaces isoleucine 1116 with valine.
Molecular consequence: missense variant.
Genome position (GRCh38, 1-based): chr5:128,339,059, T>C on the plus strand (A>G on the coding strand, the complement: FBN2 is on the minus strand). VCF-style: chr5-128339059-T-C. GRCh37 (hg19) VCF-style: chr5-127674751-T-C.
Other names: c.3346A>G (NM_001999.3); short protein forms I1116V.
Identifiers: ClinVar variation 3015458 (VCV003015458.4), dbSNP rs1049053117, ClinGen allele CA127015596.

ClinVar aggregate classification (germline): Uncertain significance. Review status: criteria provided, multiple submitters, no conflicts (2 of 4 stars). 2 submissions from 2 submitters: Uncertain significance (2). Last evaluated 2025-06-05.

Conditions:
Congenital contractural arachnodactyly (CCA). Also called: BEALS SYNDROME; Beals-Hecht syndrome; Arthrogryposis, distal, type 9. Identifiers: Orphanet 115, MedGen C0220668, MONDO:0007363, OMIM 121050.
Familial thoracic aortic aneurysm and aortic dissection (TAAD). Also called: Thoracic aortic aneurysms and dissections. Identifiers: Orphanet 91387, MedGen C4707243, MONDO:0019625.

Allele frequency attached by ClinVar (database versions not stated): gnomAD exomes below 0.00001.
gnomAD v4.1: 6 of 1,614,016 alleles (0.00037%); highest among the groups gnomAD compares: Non-Finnish European, 0.00051%; no homozygotes.

Submissions (2):

Ambry Genetics
Classification: Uncertain significance for Familial thoracic aortic aneurysm and aortic dissection. Last evaluated: 2025-06-05. Review status: criteria provided, single submitter. Criteria: Ambry Variant Classification Scheme 2023. Collection method: clinical testing. Allele origin: germline.
Comment: The p.I1116V variant (also known as c.3346A>G), located in coding exon 26 of the FBN2 gene, results from an A to G substitution at nucleotide position 3346. The isoleucine at codon 1116 is replaced by valine, an amino acid with highly similar properties. This amino acid position is highly conserved in available vertebrate species. In addition, the in silico prediction for this alteration is inconclusive. Based on the available evidence, the clinical significance of this variant remains unclear.

Labcorp Genetics (formerly Invitae), Labcorp
Classification: Uncertain significance for Congenital contractural arachnodactyly. Last evaluated: 2024-03-28. Review status: criteria provided, single submitter. Criteria: Invitae Variant Classification Sherloc (09022015). Collection method: clinical testing. Allele origin: germline.
Comment: This sequence change replaces isoleucine, which is neutral and non-polar, with valine, which is neutral and non-polar, at codon 1116 of the FBN2 protein (p.Ile1116Val). This variant is not present in population databases (gnomAD no frequency). This variant has not been reported in the literature in individuals affected with FBN2-related conditions. An algorithm developed to predict the effect of missense changes on protein structure and function (PolyPhen-2) suggests that this variant is likely to be disruptive. In summary, the available evidence is currently insufficient to determine the role of this variant in disease. Therefore, it has been classified as a Variant of Uncertain Significance.